The following is an entry in ClinVar:

ClinVar aggregate classification (germline): Uncertain significance. Review status: criteria provided, single submitter (1 of 4 stars). 2 submissions from 2 submitters: Uncertain significance (1). 1 of the submissions does not count toward it. Last evaluated 2021-08-24.

Conditions:
Bardet-Biedl syndrome (BBS). Identifiers: Orphanet 110, MedGen C0752166, MONDO:0015229.
Bardet-Biedl syndrome 10 (BBS10). Identifiers: Orphanet 110, MedGen C1859568, MONDO:0014438, OMIM 615987.

Allele frequency attached by ClinVar (database versions not stated): gnomAD exomes below 0.00001.
gnomAD v4.1: 1 of 1,614,036 alleles (0.000062%); highest among the groups gnomAD compares: Non-Finnish European, 0.000085%; no homozygotes.

Submissions (2):

Labcorp Genetics (formerly Invitae), Labcorp
Classification: Uncertain significance for Bardet-Biedl syndrome. Last evaluated: 2021-08-24. Review status: criteria provided, single submitter. Criteria: Invitae Variant Classification Sherloc (09022015). Collection method: clinical testing. Allele origin: germline.
Comment: This sequence change replaces histidine with tyrosine at codon 410 of the BBS10 protein (p.His410Tyr). The histidine residue is highly conserved and there is a moderate physicochemical difference between histidine and tyrosine. This variant is not present in population databases (ExAC no frequency). This variant has not been reported in the literature in individuals affected with BBS10-related conditions. Algorithms developed to predict the effect of missense changes on protein structure and function (SIFT, PolyPhen-2, Align-GVGD) all suggest that this variant is likely to be tolerated. In summary, the available evidence is currently insufficient to determine the role of this variant in disease. Therefore, it has been classified as a Variant of Uncertain Significance.

Natera, Inc.
Classification: Uncertain significance for Bardet-Biedl syndrome type 10. Last evaluated: 2020-11-06. Review status: no assertion criteria provided. Collection method: clinical testing. Allele origin: germline. Not counted in ClinVar's aggregate classification.

NM_024685.4(BBS10):c.1228C>T (p.His410Tyr)

Gene: BBS10 (Bardet-Biedl syndrome 10; minus strand). Cytogenetic location: 12q21.2.
Variant type: single nucleotide variant.
Coding change: c.1228C>T on transcript NM_024685.4 (MANE Select); coding-DNA position 1228, C replaced by T.
Protein change: p.His410Tyr; replaces histidine 410 with tyrosine.
Molecular consequence: missense variant.
Genome position (GRCh38, 1-based): chr12:76,346,757, G>A on the plus strand (C>T on the coding strand, the complement: BBS10 is on the minus strand). VCF-style: chr12-76346757-G-A. GRCh37 (hg19) VCF-style: chr12-76740537-G-A.
Other names: short protein forms H410Y.
Identifiers: ClinVar variation 961274 (VCV000961274.8), dbSNP rs1951762170, ClinGen allele CA385812143.
Genomic context (GRCh38, chr12:76,346,757, plus strand): 5'-GATCAAGGTCTTTAAATAATTGCCGAAGCATTTTAAGTGCTCCATGTAAAGCATCCTCAT[G>A]TTGTTCAATGAGACCATGCACTGGTCCACAAAGAACTATAGAGTGTGGTATAAATGCACA-3'
Protein context (NP_078961.3, residues 400-420): CGPVHGLIEQ[His410Tyr]EDALHGALKM